The following is an entry in ClinVar:

ClinVar aggregate classification (germline): Uncertain significance (1 of 4 stars; one submission).

Submission:

Dasa
Classification: Uncertain significance. Last evaluated: 2025-01-31. Review status: criteria provided, single submitter. Criteria: DASA Assertion Criteria. Collection method: clinical testing. Allele origin: germline.
Comment: NM_170606.3(KMT2C):c.1214T>A (p.Val405Glu) is a missense variant that results in the substitution of valine with glutamic acid. This variant is absent from population databases. Computational prediction algorithms are consistent with a deleterious effect. The currently available literature and clinical evidence are not sufficient to establish a definitive association between this variant and the reported condition. Therefore, this variant is classified as a variant of uncertain significance.

NM_170606.3(KMT2C):c.1214T>A (p.Val405Glu)

Gene: KMT2C (lysine methyltransferase 2C; minus strand). Cytogenetic location: 7q36.1.
Variant type: single nucleotide variant.
Coding change: c.1214T>A on transcript NM_170606.3 (MANE Select); coding-DNA position 1214, T replaced by A.
Protein change: p.Val405Glu; replaces valine 405 with glutamic acid.
Molecular consequence: missense variant.
Genome position (GRCh38, 1-based): chr7:152,263,101, A>T on the plus strand (T>A on the coding strand, the complement: KMT2C is on the minus strand). VCF-style: chr7-152263101-A-T. GRCh37 (hg19) VCF-style: chr7-151960186-A-T.
Other names: short protein forms V405E.
Identifiers: ClinVar variation 4881323 (VCV004881323.2).